The following is an entry in ClinVar:

ClinVar aggregate classification (germline): Likely benign. Review status: criteria provided, multiple submitters, no conflicts (2 of 4 stars). 3 submissions from 3 submitters: Likely benign (3). Last evaluated 2025-12-10.

Conditions:
Cardiovascular phenotype. Identifiers: MedGen CN230736.
Andersen Tawil syndrome (LQT7). Also called: LONG QT SYNDROME 7; PERIODIC PARALYSIS, POTASSIUM-SENSITIVE CARDIODYSRHYTHMIC TYPE; Potassium-sensitive periodic paralysis, ventricular ectopy, and dysmorphic features; Andersen Syndrome; ANDERSEN CARDIODYSRHYTHMIC PERIODIC PARALYSIS. Identifiers: Orphanet 37553, MedGen C1563715, MONDO:0008222, OMIM 170390.
Short QT syndrome type 3. Identifiers: Orphanet 51083, MedGen C1865018, MONDO:0012314, OMIM 609622.

Allele frequency attached by ClinVar (database versions not stated): gnomAD exomes 0.00001 and 0.00003; TOPMed 0.00002; gnomAD 0.00003; ExAC 0.00004; 1000 Genomes Project 30x 0.00016; 1000 Genomes Project 0.00020.
gnomAD v4.1: 29 of 1,614,144 alleles (0.0018%); highest among the groups gnomAD compares: Admixed American, 0.0083%; no homozygotes.

Submissions (3):

Labcorp Genetics (formerly Invitae), Labcorp
Classification: Likely benign for Short QT syndrome type 3; Andersen Tawil syndrome. Last evaluated: 2025-12-10. Review status: criteria provided, single submitter. Criteria: Invitae Variant Classification Sherloc (09022015). Collection method: clinical testing. Allele origin: germline.

Ambry Genetics
Classification: Likely benign for Cardiovascular phenotype. Last evaluated: 2020-01-07. Review status: criteria provided, single submitter. Criteria: Ambry Variant Classification Scheme 2023. Collection method: clinical testing. Allele origin: germline.

GeneDx
Classification: Likely benign. Last evaluated: 2015-12-21. Review status: criteria provided, single submitter. Criteria: GeneDx Variant Classification (06012015). Collection method: clinical testing. Allele origin: germline. Affected: yes.
Comment: This variant is considered likely benign or benign based on one or more of the following criteria: it is a conservative change, it occurs at a poorly conserved position in the protein, it is predicted to be benign by multiple in silico algorithms, and/or has population frequency not consistent with disease.

NM_000891.3(KCNJ2):c.513C>T (p.Ile171=)

Gene: KCNJ2 (potassium inwardly rectifying channel subfamily J member 2; plus strand). Cytogenetic location: 17q24.3.
Variant type: single nucleotide variant.
Coding change: c.513C>T on transcript NM_000891.3 (MANE Select); coding-DNA position 513, C replaced by T.
Protein change: p.Ile171=; no amino-acid change (isoleucine 171 retained).
Molecular consequence: synonymous variant.
Genome position (GRCh38, 1-based): chr17:70,175,552, C>T. VCF-style: chr17-70175552-C-T. GRCh37 (hg19) VCF-style: chr17-68171693-C-T.
Identifiers: ClinVar variation 382505 (VCV000382505.12), dbSNP rs573888708, ClinGen allele CA8738738.
Genomic context (GRCh38, chr17:70,175,552, plus strand): 5'-GGATGAATGCCCAATTGCTGTTTTCATGGTGGTGTTCCAGTCAATCGTGGGCTGCATCAT[C>T]GATGCTTTCATCATTGGCGCAGTCATGGCCAAGATGGCAAAGCCAAAGAAGAGAAACGAG-3'
Protein context (NP_000882.1, residues 161-181): VVFQSIVGCI[Ile171=]DAFIIGAVMA